The following is an entry in ClinVar:

NM_004006.3(DMD):c.7001A>T (p.Glu2334Val)

Gene: DMD (dystrophin; minus strand). Cytogenetic location: Xp21.1.
Variant type: single nucleotide variant.
Coding change: c.7001A>T on transcript NM_004006.3 (MANE Select); coding-DNA position 7001, A replaced by T.
Protein change: p.Glu2334Val; replaces glutamic acid 2334 with valine.
Molecular consequence: missense variant. On other transcripts: 5 prime UTR variant (5).
Genome position (GRCh38, 1-based): chrX:31,875,285, T>A on the plus strand (A>T on the coding strand, the complement: DMD is on the minus strand). VCF-style: chrX-31875285-T-A. GRCh37 (hg19) VCF-style: chrX-31893402-T-A.
Other names: c.6977A>T, p.Glu2326Val (NM_000109.4); c.6989A>T, p.Glu2330Val (NM_004009.3); c.6632A>T, p.Glu2211Val (NM_004010.3); c.2978A>T, p.Glu993Val (NM_004011.4); c.2969A>T, p.Glu990Val (NM_004012.4); c.-380A>T (NM_004013.3, NM_004020.4, NM_004021.3 and 2 more transcripts); short protein forms E2211V, E993V, E2326V, E2334V, E2330V, E990V.
Identifiers: ClinVar variation 3634810 (VCV003634810.2).

ClinVar aggregate classification (germline): Uncertain significance (1 of 4 stars; one submission).

Conditions:
Duchenne muscular dystrophy (DMD). Also called: MUSCULAR DYSTROPHY, PSEUDOHYPERTROPHIC PROGRESSIVE, DUCHENNE TYPE; Duchenne Muscular Dystrophy (DMD). Identifiers: Orphanet 98896, MedGen C0013264, MONDO:0010679, OMIM 310200.

Submission:

Labcorp Genetics (formerly Invitae), Labcorp
Classification: Uncertain significance for Duchenne muscular dystrophy. Last evaluated: 2024-06-05. Review status: criteria provided, single submitter. Criteria: Invitae Variant Classification Sherloc (09022015). Collection method: clinical testing. Allele origin: germline.
Comment: This sequence change replaces glutamic acid, which is acidic and polar, with valine, which is neutral and non-polar, at codon 2334 of the DMD protein (p.Glu2334Val). This variant is not present in population databases (gnomAD no frequency). This variant has not been reported in the literature in individuals affected with DMD-related conditions. Advanced modeling of protein sequence and biophysical properties (such as structural, functional, and spatial information, amino acid conservation, physicochemical variation, residue mobility, and thermodynamic stability) performed at Invitae indicates that this missense variant is not expected to disrupt DMD protein function with a negative predictive value of 95%. In summary, the available evidence is currently insufficient to determine the role of this variant in disease. Therefore, it has been classified as a Variant of Uncertain Significance.